The following is an entry in ClinVar:

NM_032525.3(TUBB6):c.354C>T (p.Asp118=)

Gene: TUBB6 (tubulin beta 6 class V; plus strand). Cytogenetic location: 18p11.21.
Variant type: single nucleotide variant.
Coding change: c.354C>T on transcript NM_032525.3 (MANE Select); coding-DNA position 354, C replaced by T.
Protein change: p.Asp118=; no amino-acid change (aspartic acid 118 retained).
Molecular consequence: synonymous variant. On other transcripts: 5 prime UTR variant (2), intron variant (1).
Genome position (GRCh38, 1-based): chr18:12,325,143, C>T. VCF-style: chr18-12325143-C-T. GRCh37 (hg19) VCF-style: chr18-12325142-C-T.
Other names: c.354C>T, p.Asp118= (NM_001303524.1); c.243C>T, p.Asp81= (NM_001303526.2); c.138C>T, p.Asp46= (NM_001303527.2); c.159C>T, p.Asp53= (NM_001303528.2); c.-85C>T (NM_001303529.3, NM_001303530.3); c.278-4003C>T (NM_001303525.2).
Identifiers: ClinVar variation 2648593 (VCV002648593.24), dbSNP rs61743679, ClinGen allele CA8896027.
Genomic context (GRCh38, chr18:12,325,143, plus strand): 5'-GAACAACTGGGCGAAAGGGCACTACACGGAGGGCGCGGAGCTGGTGGACGCAGTGCTGGA[C>T]GTGGTGCGGAAGGAGTGCGAGCACTGCGACTGCCTGCAGGGCTTCCAGCTCACGCACTCG-3'
Protein context (NP_115914.1, residues 108-128): EGAELVDAVL[Asp118=]VVRKECEHCD

ClinVar aggregate classification (germline): Benign (1 of 4 stars; one submission).

Allele frequency attached by ClinVar (database versions not stated): 1000 Genomes Project 30x 0.00172; 1000 Genomes Project 0.00180; TOPMed 0.00702; ESP Exome Variant Server 0.00777; gnomAD 0.00957; ExAC 0.01001; gnomAD exomes 0.01167.
gnomAD v4.1: 18,394 of 1,611,960 alleles (1.1%); highest among the groups gnomAD compares: Non-Finnish European, 1.3%; 153 homozygotes.

Submission:

CeGaT Center for Human Genetics Tuebingen
Classification: Benign. Last evaluated: 2024-11-01. Review status: criteria provided, single submitter. Criteria: CeGaT Center For Human Genetics Tuebingen Variant Classification Criteria Version 2. Collection method: clinical testing. Allele origin: germline. Affected: yes. Observed: 2 variant alleles.
Comment: TUBB6: BP4, BP7, BS1, BS2